The following is an entry in ClinVar:

ClinVar aggregate classification (germline): Benign (0 of 4 stars; one submission).

Conditions:
APAF1-related disorder. Also called: APAF1-related condition.

Submission:

PreventionGenetics, part of Exact Sciences
Classification: Benign for APAF1-related condition. Last evaluated: 2019-03-12. Review status: no assertion criteria provided. Collection method: clinical testing. Allele origin: germline.
Comment: This variant is classified as benign based on ACMG/AMP sequence variant interpretation guidelines (Richards et al. 2015 PMID: 25741868, with internal and published modifications).

NM_181861.2(APAF1):c.3205-5_3205-4del

Gene: APAF1 (apoptotic peptidase activating factor 1; plus strand). Cytogenetic location: 12q23.1.
Variant type: Deletion.
Coding change: c.3205-5_3205-4del on transcript NM_181861.2 (MANE Select); 5 bases into the intron before coding-DNA position 3205 through 4 bases into the intron before coding-DNA position 3205, 2 bases deleted (TT; older notation c.3205-5_3205-4delTT).
Molecular consequence: intron variant.
Genome position (GRCh38, 1-based): chr12:98,723,634-98,723,635, TT deleted; deleting any 2 consecutive bases within chr12:98,723,620-98,723,635 gives the same sequence; the c. name uses the placement nearest the transcript's 3' end. VCF-style (leftmost placement, unchanged base first): chr12-98723619-GTT-G. GRCh37 (hg19) VCF-style: chr12-99117397-GTT-G.
Other names: c.3076-5_3076-4del (NM_181868.2); c.956-8786_956-8785del (NM_181869.2); c.3172-5_3172-4del (NM_013229.3); c.3043-5_3043-4del (NM_001160.3).
Identifiers: ClinVar variation 3042238 (VCV003042238.2), dbSNP rs199829267, ClinGen allele CA6734463.